The following is an entry in ClinVar:

NM_001365276.2(TNXB):c.5792G>A (p.Arg1931Gln)

Gene: TNXB (tenascin XB; minus strand). Cytogenetic location: 6p21.33.
Variant type: single nucleotide variant.
Coding change: c.5792G>A on transcript NM_001365276.2 (MANE Select); coding-DNA position 5792, G replaced by A.
Protein change: p.Arg1931Gln; replaces arginine 1931 with glutamine.
Molecular consequence: missense variant.
Genome position (GRCh38, 1-based): chr6:32,068,932, C>T on the plus strand (G>A on the coding strand, the complement: TNXB is on the minus strand). VCF-style: chr6-32068932-C-T. GRCh37 (hg19) VCF-style: chr6-32036709-C-T.
Other names: c.6533G>A, p.Arg2178Gln (NM_001428335.1); c.5792G>A, p.Arg1931Gln (NM_019105.8); short protein forms R1931Q, R2178Q.
Identifiers: ClinVar variation 3459722 (VCV003459722.2).

ClinVar aggregate classification (germline): Conflicting classifications of pathogenicity. Review status: criteria provided, conflicting classifications (1 of 4 stars). 2 submissions from 2 submitters: Uncertain significance (1); Likely benign (1). Last evaluated 2026-02-19.

Conditions:
Cardiovascular phenotype. Identifiers: MedGen CN230736.

gnomAD v4.1: 29 of 1,612,716 alleles (0.0018%); highest among the groups gnomAD compares: Non-Finnish European, 0.0023%; no homozygotes.

Submissions (2):

Women's Health and Genetics/Laboratory Corporation of America, LabCorp
Classification: Uncertain significance. Last evaluated: 2026-02-19. Review status: criteria provided, single submitter. Criteria: LabCorp Variant Classification Summary - May 2015. Collection method: clinical testing. Allele origin: germline.
Comment: Variant summary: TNXB c.5792G>A (p.Arg1931Gln) results in a conservative amino acid change in the encoded protein sequence. Algorithms developed to predict the effect of missense changes on protein structure and function all suggest that this variant is likely to be tolerated. The variant allele was found at a frequency of 2.9e-05 in 244410 control chromosomes. The available data on variant occurrences in the general population are insufficient to allow any conclusion about variant significance. To our knowledge, no occurrence of c.5792G>A in individuals affected with TNXB-related conditions and no experimental evidence demonstrating its impact on protein function have been reported. ClinVar contains an entry for this variant (Variation ID: 3459722). Based on the evidence outlined above, the variant was classified as uncertain significance.

Ambry Genetics
Classification: Likely benign for Cardiovascular phenotype. Last evaluated: 2024-11-21. Review status: criteria provided, single submitter. Criteria: Ambry Variant Classification Scheme 2023. Collection method: clinical testing. Allele origin: germline.